The following is an entry in ClinVar:

NM_006231.4(POLE):c.5565G>A (p.Glu1855=)

Gene: POLE (DNA polymerase epsilon, catalytic subunit; minus strand). Cytogenetic location: 12q24.33.
Variant type: single nucleotide variant.
Coding change: c.5565G>A on transcript NM_006231.4 (MANE Select); coding-DNA position 5565, G replaced by A.
Protein change: p.Glu1855=; no amino-acid change (glutamic acid 1855 retained).
Molecular consequence: synonymous variant.
Genome position (GRCh38, 1-based): chr12:132,638,127, C>T on the plus strand (G>A on the coding strand, the complement: POLE is on the minus strand). VCF-style: chr12-132638127-C-T. GRCh37 (hg19) VCF-style: chr12-133214713-C-T.
Identifiers: ClinVar variation 514579 (VCV000514579.10), dbSNP rs1555221780, ClinGen allele CA482726252.

ClinVar aggregate classification (germline): Likely benign. Review status: criteria provided, multiple submitters, no conflicts (2 of 4 stars). 3 submissions from 3 submitters: Likely benign (3). Last evaluated 2026-02-01.

Conditions:
Hereditary cancer-predisposing syndrome. Also called: Hereditary Cancer Syndrome; Neoplastic Syndromes, Hereditary; Tumor predisposition; Hereditary neoplastic syndrome. Identifiers: Orphanet 140162, MedGen C0027672, MeSH D009386, MONDO:0015356.

Allele frequency attached by ClinVar (database versions not stated): gnomAD exomes below 0.00001.
gnomAD v4.1: 2 of 1,613,834 alleles (0.00012%); highest among the groups gnomAD compares: South Asian, 0.0011%; no homozygotes.

Submissions (3):

Labcorp Genetics (formerly Invitae), Labcorp
Classification: Likely benign. Last evaluated: 2026-02-01. Review status: criteria provided, single submitter. Criteria: Invitae Variant Classification Sherloc (09022015). Collection method: clinical testing. Allele origin: germline.

Ambry Genetics
Classification: Likely benign for Hereditary cancer-predisposing syndrome. Last evaluated: 2023-09-04. Review status: criteria provided, single submitter. Criteria: Ambry Variant Classification Scheme 2023. Collection method: clinical testing. Allele origin: germline.

GeneDx
Classification: Likely benign. Last evaluated: 2018-01-03. Review status: criteria provided, single submitter. Criteria: GeneDx Variant Classification (06012015). Collection method: clinical testing. Allele origin: germline. Affected: yes.
Comment: This variant is considered likely benign or benign based on one or more of the following criteria: it is a conservative change, it occurs at a poorly conserved position in the protein, it is predicted to be benign by multiple in silico algorithms, and/or has population frequency not consistent with disease.